The following is an entry in ClinVar:

NM_001958.5(EEF1A2):c.773-198C>A

Gene: EEF1A2 (eukaryotic translation elongation factor 1 alpha 2; minus strand). Cytogenetic location: 20q13.33.
Variant type: single nucleotide variant.
Coding change: c.773-198C>A on transcript NM_001958.5 (MANE Select); 198 bases into the intron before coding-DNA position 773, C replaced by A.
Molecular consequence: intron variant.
Genome position (GRCh38, 1-based): chr20:63,490,933, G>T on the plus strand (C>A on the coding strand, the complement: EEF1A2 is on the minus strand). VCF-style: chr20-63490933-G-T. GRCh37 (hg19) VCF-style: chr20-62122286-G-T.
Identifiers: ClinVar variation 672265 (VCV000672265.1), dbSNP rs73150419, ClinGen allele CA14813116.

ClinVar aggregate classification (germline): Likely benign (1 of 4 stars; one submission).

Allele frequency attached by ClinVar (database versions not stated): 1000 Genomes Project 0.01797; 1000 Genomes Project 30x 0.01811; TOPMed 0.02727; gnomAD 0.02893 and 0.02906.
gnomAD v4.1: 4,389 of 152,336 alleles (2.9%); highest among the groups gnomAD compares: Non-Finnish European, 4.6%; 86 homozygotes.

Submission:

GeneDx
Classification: Likely benign. Last evaluated: 2018-06-19. Review status: criteria provided, single submitter. Criteria: GeneDx Variant Classification (06012015). Collection method: clinical testing. Allele origin: germline. Affected: yes.
Comment: This variant is considered likely benign or benign based on one or more of the following criteria: it is a conservative change, it occurs at a poorly conserved position in the protein, it is predicted to be benign by multiple in silico algorithms, and/or has population frequency not consistent with disease.